The following is an entry in ClinVar:

ClinVar aggregate classification (germline): Likely pathogenic (1 of 4 stars; one submission).

Conditions:
Vascular malformation. Also called: Vascular malformations. Identifiers: MedGen C0158570, MONDO:0024291.

Submission:

Clinical Genomics Laboratory, Washington University in St. Louis
Classification: Likely pathogenic for Vascular malformation. Last evaluated: 2025-05-21. Review status: criteria provided, single submitter. Criteria: Leon-Quintero et al. (Clin Genet. 2025). Collection method: clinical testing. Allele origin: somatic. Affected: yes.
Comment: A KRAS c.166_216dup (p.Leu56_Met72dup) variant was identified at an allelic fraction consistent with somatic origin. This variant, to our knowledge, has not been reported in the medical literature, however, many other similar somatic inframe indels in this region in KRAS and HRAS have been reported in affected individuals (Eijkelenboom A et al., PMID: 31160609; Claire Hou YC et al., PMID: 36571464; Nagai K et al., PMID: 34618388). This variant is absent from the general population (gnomAD v4.1.0), indicating it is not a common variant. This variant resides within a region, the switch II domain between amino acids 60-76, of KRAS that is defined as a critical functional domain (Hou YC et al., PMID: 36571464). This variant is predicted to cause a change in the length of the protein due to an in-frame insertion of 17 amino acids in a non-repeat region. Based on an internally-developed protocol informed by the ACMG/AMP guidelines (Leon-Quintero FZ et al., PMID: 39434542) and gene-specific practices from the ClinGen Criteria Specification Registry, the KRAS c.166_216dup (p.Leu56_Met72dup) variant is classified as likely pathogenic.

NM_004985.5(KRAS):c.166_216dup (p.Met72_Arg73insLeuAspThrAlaGlyGlnGluGluTyrSerAlaMetArgAspGlnTyrMet)

Gene: KRAS (KRAS proto-oncogene, GTPase; minus strand). Cytogenetic location: 12p12.1.
Variant type: Duplication.
Coding change: c.166_216dup on transcript NM_004985.5 (MANE Select); coding-DNA positions 166 to 216, 51 bases duplicated.
Protein change: p.Met72_Arg73insLeuAspThrAlaGlyGlnGluGluTyrSerAlaMetArgAspGlnTyrMet.
Molecular consequence: inframe insertion.
Genome position (GRCh38, 1-based): chr12:25,227,308-25,227,358, 51 bases duplicated. GRCh37 (hg19): chr12:25,380,242-25,380,292.
Other names: c.166_216dup, p.Met72_Arg73insLeuAspThrAlaGlyGlnGluGluTyrSerAlaMetArgAspGlnTyrMet (NM_001369786.1, NM_001369787.1, NM_033360.4).
Identifiers: ClinVar variation 4279981 (VCV004279981.1).